The following is an entry in ClinVar:

NM_006488.3(KHK):c.-245G>A

Genes: KHK (ketohexokinase; plus strand), LOC129933358 (ATAC-STARR-seq lymphoblastoid active region 15490; plus strand). Cytogenetic location: 2p23.3.
Variant type: single nucleotide variant.
Coding change: c.-245G>A on transcript NM_006488.3 (MANE Select); 245 bases upstream of the start codon, G replaced by A.
Molecular consequence: 5 prime UTR variant.
Genome position (GRCh38, 1-based): chr2:27,087,015, G>A. VCF-style: chr2-27087015-G-A. GRCh37 (hg19) VCF-style: chr2-27309883-G-A.
Other names: c.-245G>A (NM_000221.3).
Identifiers: ClinVar variation 335478 (VCV000335478.6), dbSNP rs192615638, ClinGen allele CA10613445.
Genomic context (GRCh38, chr2:27,087,015, plus strand): 5'-AGGCTGAGAAGTGGGAGGCGTTGCCATCTGCAGGCCCAGGCAACCTGCTACGGGAAGACC[G>A]GGGACCAAGACCTCTGGGTTGGCTTTCCTAGACCCGCTCGGGTCTTCGGGTGTCGCGAGG-3'

ClinVar aggregate classification (germline): Benign. Review status: criteria provided, multiple submitters, no conflicts (2 of 4 stars). 2 submissions from 2 submitters: Benign (2). Last evaluated 2018-01-12.

Conditions:
Essential fructosuria. Also called: HEPATIC FRUCTOKINASE DEFICIENCY; KETOHEXOKINASE DEFICIENCY. Identifiers: Orphanet 2056, MedGen C0268160, MONDO:0009252, OMIM 229800.

Allele frequency attached by ClinVar (database versions not stated): gnomAD 0.00724 and 0.00777; 1000 Genomes Project 0.00958; TOPMed 0.00646; 1000 Genomes Project 30x 0.00984; gnomAD exomes 0.01038.

Submissions (2):

Illumina Laboratory Services, Illumina
Classification: Benign for Essential fructosuria. Last evaluated: 2018-01-12. Review status: criteria provided, single submitter. Criteria: ICSL Variant Classification Criteria 13 December 2019. Collection method: clinical testing. Allele origin: germline.
Comment: This variant was observed in the ICSL laboratory as part of a predisposition screen in an ostensibly healthy population. It had not been previously curated by ICSL or reported in the Human Gene Mutation Database (HGMD: prior to June 1st, 2018), and was therefore a candidate for classification through an automated scoring system. Utilizing variant allele frequency, disease prevalence and penetrance estimates, and inheritance mode, an automated score was calculated to assess if this variant is too frequent to cause the disease. Based on the score and internal cut-off values, a variant classified as benign is not then subjected to further curation. The score for this variant resulted in a classification of benign for this disease.

Breakthrough Genomics
Classification: Benign. Review status: criteria provided, single submitter. Criteria: ACMG Guidelines, 2015. Collection method: not provided. Allele origin: germline. Inheritance: Autosomal recessive inheritance. Affected: yes.